The following is an entry in ClinVar:

ClinVar aggregate classification (germline): Uncertain significance (1 of 4 stars; one submission).

Conditions:
Cardiovascular phenotype. Identifiers: MedGen CN230736.

Allele frequency attached by ClinVar (database versions not stated): gnomAD exomes below 0.00001; TOPMed below 0.00001; gnomAD 0.00001.
gnomAD v4.1: 3 of 1,597,334 alleles (0.00019%); highest among the groups gnomAD compares: South Asian, 0.0011%; no homozygotes.

Submission:

Ambry Genetics
Classification: Uncertain significance for Cardiovascular phenotype. Last evaluated: 2024-02-09. Review status: criteria provided, single submitter. Criteria: Ambry Variant Classification Scheme 2023. Collection method: clinical testing. Allele origin: germline.
Comment: The p.S334P variant (also known as c.1000T>C), located in coding exon 12 of the TECRL gene, results from a T to C substitution at nucleotide position 1000. The serine at codon 334 is replaced by proline, an amino acid with similar properties. This amino acid position is conserved. In addition, this alteration is predicted to be tolerated by in silico analysis. Based on the available evidence, the clinical significance of this alteration remains unclear.

NM_001010874.5(TECRL):c.1000T>C (p.Ser334Pro)

Gene: TECRL (trans-2,3-enoyl-CoA reductase like; minus strand). Cytogenetic location: 4q13.1.
Variant type: single nucleotide variant.
Coding change: c.1000T>C on transcript NM_001010874.5 (MANE Select); coding-DNA position 1000, T replaced by C.
Protein change: p.Ser334Pro; replaces serine 334 with proline.
Molecular consequence: missense variant. On other transcripts: intron variant (1).
Genome position (GRCh38, 1-based): chr4:64,280,164, A>G on the plus strand (T>C on the coding strand, the complement: TECRL is on the minus strand). VCF-style: chr4-64280164-A-G. GRCh37 (hg19) VCF-style: chr4-65145882-A-G.
Other names: c.964+877T>C (NM_001363796.1); short protein forms S334P.
Identifiers: ClinVar variation 3232335 (VCV003232335.1), dbSNP rs1230764060, ClinGen allele CA357042847.